The following is an entry in ClinVar:

ClinVar aggregate classification (germline): Pathogenic (1 of 4 stars; one submission).

Submission:

Mayo Clinic Laboratories, Mayo Clinic
Classification: Pathogenic. Last evaluated: 2024-08-07. Review status: criteria provided, single submitter. Criteria: ACMG Guidelines, 2015. Collection method: clinical testing. Allele origin: germline. Observed: 1 variant allele.
Comment: PP3_strong, PP4, PM1_strong, PM2, PM5

NM_033380.3(COL4A5):c.901G>A (p.Gly301Ser)

Gene: COL4A5 (collagen type IV alpha 5 chain; plus strand). Cytogenetic location: Xq22.3.
Variant type: single nucleotide variant.
Coding change: c.901G>A on transcript NM_033380.3 (MANE Select); coding-DNA position 901, G replaced by A.
Protein change: p.Gly301Ser; replaces glycine 301 with serine.
Molecular consequence: missense variant.
Genome position (GRCh38, 1-based): chrX:108,580,992, G>A. VCF-style: chrX-108580992-G-A. GRCh37 (hg19) VCF-style: chrX-107824222-G-A.
Other names: p.Gly301Ser; c.901G>A, p.Gly301Ser (NM_000495.5); short protein forms G301S.
Identifiers: ClinVar variation 3380927 (VCV003380927.1).